The following is an entry in ClinVar:

NM_001009944.3(PKD1):c.11356G>C (p.Glu3786Gln)

Genes: PKD1-AS1 (PKD1 antisense RNA 1; plus strand), PKD1 (polycystin 1, transient receptor potential channel interacting; minus strand). Cytogenetic location: 16p13.3.
Variant type: single nucleotide variant.
Coding change: c.11356G>C on transcript NM_001009944.3 (MANE Select); coding-DNA position 11356, G replaced by C.
Protein change: p.Glu3786Gln; replaces glutamic acid 3786 with glutamine.
Molecular consequence: missense variant.
Genome position (GRCh38, 1-based): chr16:2,092,102, C>G on the plus strand (G>C on the coding strand, the complement: PKD1 is on the minus strand). VCF-style: chr16-2092102-C-G. GRCh37 (hg19) VCF-style: chr16-2142103-C-G.
Other names: c.11353G>C, p.Glu3785Gln (NM_000296.4); short protein forms E3786Q, E3785Q.
Identifiers: ClinVar variation 434002 (VCV000434002.47), dbSNP rs147992238, ClinGen allele CA7829177.

ClinVar aggregate classification (germline): Conflicting classifications of pathogenicity. Review status: criteria provided, conflicting classifications (1 of 4 stars). 10 submissions from 10 submitters: Uncertain significance (3); Likely benign (4). 3 of the submissions do not count toward it. Last evaluated 2024-10-24.

Conditions:
Inborn genetic diseases. Identifiers: MedGen C0950123, MeSH D030342.
Congenital anomaly of kidney and urinary tract. Also called: Congenital anomalies of kidney and urinary tract; Congenital anomalies of the kidney and urinary tract. Identifiers: Orphanet 93545, MedGen C1968949, MeSH C566906, MONDO:0019719.
Polycystic kidney disease, adult type (PKD1). Also called: POLYCYSTIC KIDNEY DISEASE, ADULT, TYPE I; Polycystic Kidney, Autosomal Dominant; POLYCYSTIC KIDNEY DISEASE 1 WITH OR WITHOUT POLYCYSTIC LIVER DISEASE; Polycystic Kidney Disease 1, Autosomal Dominant; Polycystic kidney disease 1; Polycystic kidney disease 1, severe. Identifiers: MedGen C3149841, MONDO:0008263, OMIM 173900.
PKD1-related disorder. Also called: PKD1-related condition.

Allele frequency attached by ClinVar (database versions not stated): gnomAD 0.00053 and 0.00051; gnomAD exomes 0.00053 and 0.00104; ESP Exome Variant Server 0.00062; 1000 Genomes Project 0.00020; 1000 Genomes Project 30x 0.00031; ExAC 0.00045; TOPMed 0.00049.

Submissions (10):

Blueprint Genetics
Classification: Likely benign. Last evaluated: 2024-10-24. Review status: criteria provided, single submitter. Criteria: ACMG Guidelines, 2015. Collection method: clinical testing. Allele origin: germline.

CeGaT Center for Human Genetics Tuebingen
Classification: Likely benign. Last evaluated: 2022-10-01. Review status: criteria provided, single submitter. Criteria: CeGaT Center For Human Genetics Tuebingen Variant Classification Criteria Version 2. Collection method: clinical testing. Allele origin: germline. Affected: yes. Observed: 1 variant allele.
Comment: PKD1: BP4, BS2

Ambry Genetics
Classification: Uncertain significance for Inborn genetic diseases. Last evaluated: 2021-09-15. Review status: criteria provided, single submitter. Criteria: Ambry Variant Classification Scheme 2023. Collection method: clinical testing. Allele origin: germline.

Cambridge Genomics Laboratory, East Genomic Laboratory Hub, NHS Genomic Medicine Service
Classification: Likely benign for Congenital anomaly of kidney and urinary tract. Last evaluated: 2020-04-03. Review status: criteria provided, single submitter. Criteria: ACGS Best Practice Guidelines for Variant Classification in Rare Disease 2020. Collection method: clinical testing. Allele origin: germline. Affected: yes. Observed: 1 variant allele.

ARUP Laboratories, Molecular Genetics and Genomics, ARUP Laboratories
Classification: Likely benign for Polycystic kidney disease, adult type. Last evaluated: 2020-01-30. Review status: criteria provided, single submitter. Criteria: ARUP Molecular Germline Variant Investigation Process. Collection method: clinical testing. Allele origin: germline.

Fulgent Genetics
Classification: Uncertain significance for Polycystic kidney disease, adult type. Last evaluated: 2018-10-31. Review status: criteria provided, single submitter. Criteria: ACMG Guidelines, 2015. Collection method: clinical testing. Allele origin: unknown.

Department of Pathology and Laboratory Medicine, Sinai Health System
Classification: Uncertain significance. Last evaluated: 2016-06-20. Review status: criteria provided, single submitter. Criteria: ACMG Guidelines, 2015. Collection method: clinical testing. Allele origin: germline. Affected: yes. Study: The Canadian Open Genetics Repository (COGR).

PreventionGenetics, part of Exact Sciences
Classification: Likely benign for PKD1-related condition. Last evaluated: 2023-02-07. Review status: no assertion criteria provided. Collection method: clinical testing. Allele origin: germline. Not counted in ClinVar's aggregate classification.
Comment: This variant is classified as likely benign based on ACMG/AMP sequence variant interpretation guidelines (Richards et al. 2015 PMID: 25741868, with internal and published modifications).

Clinical Genetics DNA and cytogenetics Diagnostics Lab, Erasmus MC, Erasmus Medical Center
Classification: Likely benign. Review status: no assertion criteria provided. Collection method: clinical testing. Allele origin: germline. Affected: yes. Study: VKGL Data-share Consensus. Not counted in ClinVar's aggregate classification.

Laboratory of Diagnostic Genome Analysis, Leiden University Medical Center (LUMC)
Classification: Likely benign. Review status: no assertion criteria provided. Collection method: clinical testing. Allele origin: germline. Affected: yes. Study: VKGL Data-share Consensus. Not counted in ClinVar's aggregate classification.